The following is an entry in ClinVar:

ClinVar aggregate classification (germline): Likely pathogenic. Review status: criteria provided, multiple submitters, no conflicts (2 of 4 stars). 2 submissions from 2 submitters: Likely pathogenic (2). Last evaluated 2025-12-02.

Conditions:
RNU2-2 related disorder.
RNU2-2 related neurodevelopmental disorder.

Submissions (2):

Undiagnosed Diseases Network, NIH
Classification: Likely pathogenic for RNU2-2 related neurodevelopmental disorder. Last evaluated: 2025-12-02. Review status: criteria provided, single submitter. Criteria: ACMG Guidelines, 2015. Collection method: clinical testing. Allele origin: paternal. Inheritance: Autosomal recessive inheritance. Affected: yes. Observed: 1 variant allele, 1 compound heterozygote. Study: Undiagnosed Diseases Network (NIH), UDN.

Institute for Human Genetics, University Hospital Essen
Classification: Likely pathogenic for RNU2-2 related disorder. Last evaluated: 2025-11-27. Review status: criteria provided, single submitter. Criteria: Submitter's publication. Collection method: clinical testing. Allele origin: inherited. Inheritance: Autosomal recessive inheritance. Affected: yes. Observed: 2 variant alleles, 2 compound heterozygotes.
Comment: PM1_supp, PM2_supp, PS4, PM3 (criteria rationale detailed in Leitão et al. Nature Genetics 2026)

Literature cited by the submitters: PubMed 40909831 (cited by Undiagnosed Diseases Network, NIH).

NR_199791.1(RNU2-2):n.116_127del

Genes: RNU2-2 (RNA, U2 small nuclear 2; minus strand), WDR74 (WD repeat domain 74; minus strand). Cytogenetic location: 11q12.3.
Variant type: Deletion.
Molecular consequence: non-coding transcript variant (on NR_199791.1). On other transcripts: 5 prime UTR variant (1).
Genome position: GRCh38 VCF-style: chr11-62841682-GCTCCTATTCCAT-G. GRCh37 (hg19) VCF-style: chr11-62609154-GCTCCTATTCCAT-G.
Other names: c.-423_-412del (NM_001369451.1).
Identifiers: ClinVar variation 4540514 (VCV004540514.2).